The following is an entry in ClinVar:

NM_020458.4(TTC7A):c.979C>A (p.Pro327Thr)

Gene: TTC7A (tetratricopeptide repeat domain 7A; plus strand). Cytogenetic location: 2p21.
Variant type: single nucleotide variant.
Coding change: c.979C>A on transcript NM_020458.4 (MANE Select); coding-DNA position 979, C replaced by A.
Protein change: p.Pro327Thr; replaces proline 327 with threonine.
Molecular consequence: missense variant. On other transcripts: intron variant (1).
Genome position (GRCh38, 1-based): chr2:46,994,492, C>A. VCF-style: chr2-46994492-C-A. GRCh37 (hg19) VCF-style: chr2-47221631-C-A.
Other names: c.979C>A, p.Pro327Thr (NM_001288951.2); c.877C>A, p.Pro293Thr (NM_001288953.2); c.-61-644C>A (NM_001288955.2); c.979C>A (NM_020458.2); short protein forms P293T, P327T.
Identifiers: ClinVar variation 2167332 (VCV002167332.3), dbSNP rs757012029, ClinGen allele CA1647422.

ClinVar aggregate classification (germline): Uncertain significance. Review status: criteria provided, multiple submitters, no conflicts (2 of 4 stars). 2 submissions from 2 submitters: Uncertain significance (2). Last evaluated 2022-03-05.

Conditions:
Inborn genetic diseases. Identifiers: MedGen C0950123, MeSH D030342.
Multiple gastrointestinal atresias. Also called: Multiple intestinal atresia; FAMILIAL INTESTINAL POLYATRESIA SYNDROME. Identifiers: Orphanet 2300, MedGen C0220744, MONDO:0009465.

Allele frequency attached by ClinVar (database versions not stated): ExAC 0.00001; gnomAD exomes 0.00002; TOPMed 0.00002; gnomAD 0.00005.
gnomAD v4.1: 40 of 1,613,914 alleles (0.0025%); highest among the groups gnomAD compares: East Asian, 0.085%; 2 homozygotes.

Submissions (2):

Labcorp Genetics (formerly Invitae), Labcorp
Classification: Uncertain significance for Multiple gastrointestinal atresias. Last evaluated: 2022-03-05. Review status: criteria provided, single submitter. Criteria: Invitae Variant Classification Sherloc (09022015). Collection method: clinical testing. Allele origin: germline.
Comment: In summary, the available evidence is currently insufficient to determine the role of this variant in disease. Therefore, it has been classified as a Variant of Uncertain Significance. Algorithms developed to predict the effect of missense changes on protein structure and function (SIFT, PolyPhen-2, Align-GVGD) all suggest that this variant is likely to be tolerated. This variant has not been reported in the literature in individuals affected with TTC7A-related conditions. This variant is present in population databases (rs757012029, gnomAD 0.04%). This sequence change replaces proline, which is neutral and non-polar, with threonine, which is neutral and polar, at codon 327 of the TTC7A protein (p.Pro327Thr).

Ambry Genetics
Classification: Uncertain significance for Inborn genetic diseases. Last evaluated: 2021-09-09. Review status: criteria provided, single submitter. Criteria: Ambry Variant Classification Scheme 2023. Collection method: clinical testing. Allele origin: germline.